The following is an entry in ClinVar:

NM_000209.4(PDX1):c.495C>T (p.Phe165=)

Gene: PDX1 (pancreatic and duodenal homeobox 1; plus strand). Cytogenetic location: 13q12.2.
Variant type: single nucleotide variant.
Coding change: c.495C>T on transcript NM_000209.4 (MANE Select); coding-DNA position 495, C replaced by T.
Protein change: p.Phe165=; no amino-acid change (phenylalanine 165 retained).
Molecular consequence: synonymous variant.
Genome position (GRCh38, 1-based): chr13:27,924,344, C>T. VCF-style: chr13-27924344-C-T. GRCh37 (hg19) VCF-style: chr13-28498481-C-T.
Identifiers: ClinVar variation 3036362 (VCV003036362.2), dbSNP rs1957809011, ClinGen allele CA483175679.

ClinVar aggregate classification (germline): Likely benign (0 of 4 stars; one submission).

Conditions:
PDX1-related disorder. Also called: PDX1-related condition; PDX1-related disorders.

Allele frequency attached by ClinVar (database versions not stated): TOPMed below 0.00001.

Submission:

PreventionGenetics, part of Exact Sciences
Classification: Likely benign for PDX1-related condition. Last evaluated: 2021-10-08. Review status: no assertion criteria provided. Collection method: clinical testing. Allele origin: germline.
Comment: This variant is classified as likely benign based on ACMG/AMP sequence variant interpretation guidelines (Richards et al. 2015 PMID: 25741868, with internal and published modifications).